The following is an entry in ClinVar:

ClinVar aggregate classification (germline): Conflicting classifications of pathogenicity. Review status: criteria provided, conflicting classifications (1 of 4 stars). 2 submissions from 2 submitters: Uncertain significance (1); Likely benign (1). Last evaluated 2025-08-03.

Allele frequency attached by ClinVar (database versions not stated): gnomAD exomes 0.00032; ExAC 0.00036; ESP Exome Variant Server 0.00095; gnomAD 0.00096 and 0.00098; TOPMed 0.00117; 1000 Genomes Project 0.00240; 1000 Genomes Project 30x 0.00281.
gnomAD v4.1: 288 of 1,608,154 alleles (0.018%); highest among the groups gnomAD compares: African/African-American, 0.31%; 1 homozygote.

Submissions (2):

Ambry Genetics
Classification: Uncertain significance. Last evaluated: 2025-08-03. Review status: criteria provided, single submitter. Criteria: Ambry Variant Classification Scheme 2023. Collection method: clinical testing. Allele origin: germline.

Laboratory for Molecular Medicine, Mass General Brigham Personalized Medicine
Classification: Likely benign. Last evaluated: 2016-03-16. Review status: criteria provided, single submitter. Criteria: LMM Criteria. Collection method: clinical testing. Allele origin: germline. Observed: 2 variant alleles.
Comment: p.Gly5425Arg in exon 41 of MUC5B: This variant is not expected to have clinical significance because it has been identified in 0.4% (34/9248) of African chromos omes by the Exome Aggregation Consortium (ExAC; dbSNP; rs201746407).

NM_002458.3(MUC5B):c.16273G>A (p.Gly5425Arg)

Gene: MUC5B (mucin 5B, oligomeric mucus/gel-forming; plus strand). Cytogenetic location: 11p15.5.
Variant type: single nucleotide variant.
Coding change: c.16273G>A on transcript NM_002458.3 (MANE Select); coding-DNA position 16273, G replaced by A.
Protein change: p.Gly5425Arg; replaces glycine 5425 with arginine.
Molecular consequence: missense variant.
Genome position (GRCh38, 1-based): chr11:1,257,533, G>A. VCF-style: chr11-1257533-G-A. GRCh37 (hg19) VCF-style: chr11-1278763-G-A.
Other names: short protein forms G5425R.
Identifiers: ClinVar variation 164007 (VCV000164007.5), dbSNP rs201746407, ClinGen allele CA176775.